The following is an entry in ClinVar:

ClinVar aggregate classification (germline): Uncertain significance (1 of 4 stars; one submission).

Conditions:
Epidermolysis bullosa simplex 5B, with muscular dystrophy (EBS5B). Also called: EPIDERMOLYSIS BULLOSA SIMPLEX AND LIMB-GIRDLE MUSCULAR DYSTROPHY; Epidermolysis bullosa simplex with muscular dystrophy. Identifiers: Orphanet 257, MedGen C2931072, MONDO:0009181, OMIM 226670.
Epidermolysis bullosa simplex, Ogna type (EBS5A). Also called: Pidermolysis bullosa simplex 5A, Ogna type; EPIDERMOLYSIS BULLOSA SIMPLEX 5A, OGNA TYPE. Identifiers: Orphanet 79401, MedGen C0432317, MONDO:0007555, OMIM 131950.
Epidermolysis bullosa simplex 5C, with pyloric atresia (EBS5C). Also called: Epidermolysis bullosa simplex with pyloric atresia; PLEC-Related Epidermolysis Bullosa with Pyloric Atresia; PLEC1-Related Epidermolysis Bullosa with Pyloric Atresia. Identifiers: Orphanet 158684, MedGen C2677349, MONDO:0012807, OMIM 612138.
Autosomal recessive limb-girdle muscular dystrophy type 2Q (LGMDR17). Also called: MUSCULAR DYSTROPHY, LIMB-GIRDLE, AUTOSOMAL RECESSIVE 17. Identifiers: Orphanet 254361, MedGen C3150989, MONDO:0013390, OMIM 613723.
Epidermolysis bullosa simplex with nail dystrophy (EBS5D). Identifiers: MedGen C4225309, MONDO:0014661, OMIM 616487.

gnomAD v4.1: 7 of 1,613,000 alleles (0.00043%); highest among the groups gnomAD compares: Non-Finnish European, 0.00059%; no homozygotes.

Submission:

Labcorp Genetics (formerly Invitae), Labcorp
Classification: Uncertain significance for Autosomal recessive limb-girdle muscular dystrophy type 2Q; Epidermolysis bullosa simplex, Ogna type; Epidermolysis bullosa simplex with nail dystrophy; Epidermolysis bullosa simplex 5C, with pyloric atresia; Epidermolysis bullosa simplex 5B, with muscular dystrophy. Last evaluated: 2025-08-29. Review status: criteria provided, single submitter. Criteria: Invitae Variant Classification Sherloc (09022015). Collection method: clinical testing. Allele origin: germline.
Comment: This sequence change replaces aspartic acid, which is acidic and polar, with glycine, which is neutral and non-polar, at codon 154 of the PLEC protein (p.Asp154Gly). This variant is not present in population databases (gnomAD no frequency). This variant has not been reported in the literature in individuals affected with PLEC-related conditions. Experimental studies and prediction algorithms are not available or were not evaluated, and the functional significance of this variant is currently unknown. In summary, the available evidence is currently insufficient to determine the role of this variant in disease. Therefore, it has been classified as a Variant of Uncertain Significance.

NM_201384.3(PLEC):c.380A>G (p.Asp127Gly)

Gene: PLEC (plectin; minus strand). Cytogenetic location: 8q24.3.
Variant type: single nucleotide variant.
Coding change: c.380A>G on transcript NM_201384.3 (MANE Select); coding-DNA position 380, A replaced by G.
Protein change: p.Asp127Gly; replaces aspartic acid 127 with glycine.
Molecular consequence: missense variant.
Genome position (GRCh38, 1-based): chr8:143,937,034, T>C on the plus strand (A>G on the coding strand, the complement: PLEC is on the minus strand). VCF-style: chr8-143937034-T-C. GRCh37 (hg19) VCF-style: chr8-145011202-T-C.
Other names: c.461A>G, p.Asp154Gly (NM_000445.5, NM_001410941.1); c.338A>G, p.Asp113Gly (NM_201378.4); c.314A>G, p.Asp105Gly (NM_201379.3); c.791A>G, p.Asp264Gly (NM_201380.4); c.284A>G, p.Asp95Gly (NM_201381.3); c.380A>G, p.Asp127Gly (NM_201382.4); c.392A>G, p.Asp131Gly (NM_201383.3); short protein forms D105G, D113G, D127G, D95G, D131G, D154G, D264G.
Identifiers: ClinVar variation 4792915 (VCV004792915.1).